The following is an entry in ClinVar:

ClinVar aggregate classification (germline): Conflicting classifications of pathogenicity. Review status: criteria provided, conflicting classifications (1 of 4 stars). 3 submissions from 3 submitters: Uncertain significance (1); Likely benign (1). 1 of the submissions does not count toward it. Last evaluated 2025-03-11.

Conditions:
Hereditary breast ovarian cancer syndrome. Also called: Hereditary breast and ovarian cancer syndrome (HBOC); BRCA1- and BRCA2-Associated Hereditary Breast and Ovarian Cancer; Hereditary breast and/or ovarian cancer syndrome; Hereditary breast and ovarian cancer syndrome; Hereditary breast and ovarian cancer; Breast and ovarian cancer. Identifiers: Orphanet 145, MedGen C0677776, MeSH D061325, MONDO:0003582. Disease mechanism: loss of function.
Malignant tumor of breast. Also called: Malignant breast neoplasm; Cancer breast. Identifiers: MedGen C0006142, MONDO:0007254. Disease mechanism: loss of function.

Submissions (4):

German Consortium for Hereditary Breast and Ovarian Cancer, University Hospital Cologne
Classification: Likely benign for Hereditary breast ovarian cancer syndrome. Last evaluated: 2025-03-11. Review status: criteria provided, single submitter. Criteria: ClinGen BRCA1 V1.1.0. Collection method: curation. Allele origin: germline.
Comment: According to the ClinGen ENIGMA BRCA1 v1.1.0 criteria we chose these criteria: PM2 (supporting pathogenic): absent from gnomAD v2/3/4, BS3 (strong benign): VCEP Table 9: Missense variant predicted to alter splicing, functional data considered only from assays that measure effect via mRNA and protein. Reported by one calibrated study incorporating mRNA splicing effects to exhibit function similar to benign control variants (PMID:30209399) (BS3 met).

Labcorp Genetics (formerly Invitae), Labcorp
Classification: Uncertain significance for Hereditary breast ovarian cancer syndrome. Last evaluated: 2023-06-27. Review status: criteria provided, single submitter. Criteria: Invitae Variant Classification Sherloc (09022015). Collection method: clinical testing. Allele origin: germline.
Comment: Experimental studies have shown that this missense change does not substantially affect BRCA1 function (PMID: 30209399). Algorithms developed to predict the effect of sequence changes on RNA splicing suggest that this variant may disrupt the consensus splice site. In summary, the available evidence is currently insufficient to determine the role of this variant in disease. Therefore, it has been classified as a Variant of Uncertain Significance. Advanced modeling performed at Invitae incorporating data from internal and/or published experimental studies (PMID: 30209399) indicates that this missense variant is not expected to disrupt BRCA1 function. This sequence change replaces lysine, which is basic and polar, with arginine, which is basic and polar, at codon 55 of the BRCA1 protein (p.Lys55Arg). This variant is not present in population databases (gnomAD no frequency). This missense change has been observed in individual(s) with clinical features of BRCA1-related conditions (PMID: 31825140). ClinVar contains an entry for this variant (Variation ID: 433686).

Brotman Baty Institute, University of Washington
No classification provided (evidence only). Condition: Breast-ovarian cancer, familial 1. Review status: no classification provided. Collection method: in vitro. Allele origin: not applicable. Functional consequence: functionally_normal. Not counted in ClinVar's aggregate classification.
ClinVar note: "not provided" was previously submitted as the classification for the variant. However, the classification appeared to be based only on an observation of functional data so it was converted to no classification on 2025-07-30.

Department of Pathology and Laboratory Medicine, Sinai Health System
Classification: Uncertain significance for Malignant tumor of breast. Review status: no assertion criteria provided. Collection method: clinical testing. Allele origin: unknown. Affected: yes. Study: The Canadian Open Genetics Repository (COGR). Not counted in ClinVar's aggregate classification.

Literature cited by the submitters: PubMed 30209399 (cited by Labcorp Genetics (formerly Invitae), Labcorp); PubMed 31825140 (cited by Labcorp Genetics (formerly Invitae), Labcorp).

NM_007294.4(BRCA1):c.164A>G (p.Lys55Arg)

Gene: BRCA1 (BRCA1 DNA repair associated; minus strand). Cytogenetic location: 17q21.31.
Variant type: single nucleotide variant.
Coding change: c.164A>G on transcript NM_007294.4 (MANE Select); coding-DNA position 164, A replaced by G.
Protein change: p.Lys55Arg; replaces lysine 55 with arginine.
Molecular consequence: missense variant. On other transcripts: non-coding transcript variant (1).
Genome position (GRCh38, 1-based): chr17:43,106,504, T>C on the plus strand (A>G on the coding strand, the complement: BRCA1 is on the minus strand). VCF-style: chr17-43106504-T-C. GRCh37 (hg19) VCF-style: chr17-41258521-T-C.
Other names: c.164A>G, p.Lys55Arg (NM_001407665.1, NM_001407666.1, NM_001407667.1 and 168 more transcripts); c.23A>G, p.Lys8Arg (NM_001407692.1, NM_001407694.1, NM_001407695.1 and 99 more transcripts); c.-25A>G (NM_001407853.1, NM_001407879.1, NM_001407881.1 and 58 more transcripts); short protein forms K55R, K8R.
Identifiers: ClinVar variation 433686 (VCV000433686.14), dbSNP rs2054786724, ClinGen allele CA10601828.